The following is an entry in ClinVar:

ClinVar aggregate classification (germline): Conflicting classifications of pathogenicity. Review status: criteria provided, conflicting classifications (1 of 4 stars). 4 submissions from 4 submitters: Likely pathogenic (3); Uncertain significance (1). Last evaluated 2024-06-19.

Conditions:
Primary ciliary dyskinesia. Also called: Ciliary dyskinesia. Identifiers: Orphanet 244, MedGen C0008780, MONDO:0016575, HP:0012265.
Kartagener syndrome (CILD1). Also called: CILIARY DYSKINESIA, PRIMARY, 1; Dextrocardia bronchiectasis and sinusitis; SIEWERT SYNDROME; CILIARY DYSKINESIA, PRIMARY, 1, WITH OR WITHOUT SITUS INVERSUS; IMMOTILE CILIA SYNDROME; POLYNESIAN BRONCHIECTASIS. Identifiers: Orphanet 244, MedGen C4551906, MONDO:0009484, OMIM 244400.

Allele frequency attached by ClinVar (database versions not stated): gnomAD exomes below 0.00001 and 0.00001; ExAC 0.00001; TOPMed 0.00001.
gnomAD v4.1: 9 of 1,614,130 alleles (0.00056%); highest among the groups gnomAD compares: Admixed American, 0.0017%; no homozygotes.

Submissions (4):

Fulgent Genetics
Classification: Likely pathogenic for Kartagener syndrome. Last evaluated: 2024-06-19. Review status: criteria provided, single submitter. Criteria: ACMG Guidelines, 2015. Collection method: clinical testing. Allele origin: germline.

Labcorp Genetics (formerly Invitae), Labcorp
Classification: Likely pathogenic for Primary ciliary dyskinesia. Last evaluated: 2023-12-21. Review status: criteria provided, single submitter. Criteria: Invitae Variant Classification Sherloc (09022015). Collection method: clinical testing. Allele origin: germline.
Comment: This sequence change replaces glycine, which is neutral and non-polar, with serine, which is neutral and polar, at codon 406 of the DNAI1 protein (p.Gly406Ser). This variant is present in population databases (rs769177784, gnomAD 0.003%). This missense change has been observed in individual(s) with clinical features of primary ciliary dyskinesia (PMID: 31130284, 31213628; external communication). In at least one individual the data is consistent with being in trans (on the opposite chromosome) from a pathogenic variant. This variant is also known as c.1228G>A, p.Gly410Ser. ClinVar contains an entry for this variant (Variation ID: 1334624). Advanced modeling of protein sequence and biophysical properties (such as structural, functional, and spatial information, amino acid conservation, physicochemical variation, residue mobility, and thermodynamic stability) performed at Invitae indicates that this missense variant is expected to disrupt DNAI1 protein function with a positive predictive value of 95%. In summary, the currently available evidence indicates that the variant is pathogenic, but additional data are needed to prove that conclusively. Therefore, this variant has been classified as Likely Pathogenic.

Centre of Medical Genetics, University Hospital Muenster
Classification: Likely pathogenic. Last evaluated: 2022-07-07. Review status: criteria provided, single submitter. Criteria: ACMG Guidelines, 2015. Collection method: clinical testing. Allele origin: unknown. Affected: yes. Observed: 1 variant allele, 1 heterozygote.
Comment: ACMG categories: PM2,PM3,PP3,PP4

Greenwood Genetic Center Diagnostic Laboratories, Greenwood Genetic Center
Classification: Uncertain significance. Last evaluated: 2021-10-27. Review status: criteria provided, single submitter. Criteria: ACMG Guidelines, 2015. Collection method: clinical testing. Allele origin: germline. Affected: yes.
Comment: PM2

Literature cited by the submitters: PubMed 31130284 (cited by Labcorp Genetics (formerly Invitae), Labcorp); PubMed 31213628 (cited by Labcorp Genetics (formerly Invitae), Labcorp).

NM_012144.4(DNAI1):c.1216G>A (p.Gly406Ser)

Gene: DNAI1 (dynein axonemal intermediate chain 1; plus strand). Cytogenetic location: 9p13.3.
Variant type: single nucleotide variant.
Coding change: c.1216G>A on transcript NM_012144.4 (MANE Select); coding-DNA position 1216, G replaced by A.
Protein change: p.Gly406Ser; replaces glycine 406 with serine.
Molecular consequence: missense variant.
Genome position (GRCh38, 1-based): chr9:34,506,779, G>A. VCF-style: chr9-34506779-G-A. GRCh37 (hg19) VCF-style: chr9-34506777-G-A.
Other names: c.1228G>A, p.Gly410Ser (NM_001281428.2); short protein forms G406S, G410S.
Identifiers: ClinVar variation 1334624 (VCV001334624.11), dbSNP rs769177784, ClinGen allele CA5034323.